The following is an entry in ClinVar:

ClinVar aggregate classification (germline): Uncertain significance. Review status: criteria provided, multiple submitters, no conflicts (2 of 4 stars). 3 submissions from 3 submitters: Uncertain significance (3). Last evaluated 2025-11-24.

Conditions:
Hereditary cancer-predisposing syndrome. Also called: Hereditary Cancer Syndrome; Neoplastic Syndromes, Hereditary; Tumor predisposition; Hereditary neoplastic syndrome. Identifiers: Orphanet 140162, MedGen C0027672, MeSH D009386, MONDO:0015356.
Familial cancer of breast. Also called: Hereditary breast cancer; BREAST CANCER, FAMILIAL; hereditary breast carcinoma. Identifiers: Orphanet 227535, MedGen C0346153, MONDO:0016419, OMIM 114480. Disease mechanism: loss of function.

Submissions (3):

Labcorp Genetics (formerly Invitae), Labcorp
Classification: Uncertain significance for Familial cancer of breast. Last evaluated: 2025-11-24. Review status: criteria provided, single submitter. Criteria: Invitae Variant Classification Sherloc (09022015). Collection method: clinical testing. Allele origin: germline.
Comment: This sequence change replaces phenylalanine, which is neutral and non-polar, with leucine, which is neutral and non-polar, at codon 242 of the BARD1 protein (p.Phe242Leu). This variant is not present in population databases (gnomAD no frequency). This variant has not been reported in the literature in individuals affected with BARD1-related conditions. ClinVar contains an entry for this variant (Variation ID: 489676). An algorithm developed to predict the effect of missense changes on protein structure and function (PolyPhen-2) suggests that this variant is likely to be tolerated. In summary, the available evidence is currently insufficient to determine the role of this variant in disease. Therefore, it has been classified as a Variant of Uncertain Significance.

Color Diagnostics, LLC DBA Color Health
Classification: Uncertain significance for Hereditary cancer-predisposing syndrome. Last evaluated: 2024-03-06. Review status: criteria provided, single submitter. Criteria: ACMG Guidelines, 2015. Collection method: clinical testing. Allele origin: germline.
Comment: This missense variant replaces phenylalanine with leucine at codon 242 of the BARD1 protein. Computational prediction suggests that this variant may not impact protein structure and function (internally defined REVEL score threshold <= 0.5, PMID: 27666373). Splice site prediction tools suggest that this variant may not impact RNA splicing. To our knowledge, functional studies have not been performed for this variant. This variant has not been reported in individuals affected with hereditary cancer in the literature. This variant has not been identified in the general population by the Genome Aggregation Database (gnomAD). The available evidence is insufficient to determine the role of this variant in disease conclusively. Therefore, this variant is classified as a Variant of Uncertain Significance.

Ambry Genetics
Classification: Uncertain significance for Hereditary cancer-predisposing syndrome. Last evaluated: 2023-04-07. Review status: criteria provided, single submitter. Criteria: Ambry Variant Classification Scheme 2023. Collection method: clinical testing. Allele origin: germline.
Comment: The p.F242L variant (also known as c.724T>C), located in coding exon 4 of the BARD1 gene, results from a T to C substitution at nucleotide position 724. The phenylalanine at codon 242 is replaced by leucine, an amino acid with highly similar properties. This amino acid position is not well conserved in available vertebrate species. In addition, this alteration is predicted to be tolerated by in silico analysis. Since supporting evidence is limited at this time, the clinical significance of this alteration remains unclear.

NM_000465.4(BARD1):c.724T>C (p.Phe242Leu)

Gene: BARD1 (BRCA1 associated RING domain 1; minus strand). Cytogenetic location: 2q35.
Variant type: single nucleotide variant.
Coding change: c.724T>C on transcript NM_000465.4 (MANE Select); coding-DNA position 724, T replaced by C.
Protein change: p.Phe242Leu; replaces phenylalanine 242 with leucine.
Molecular consequence: missense variant. On other transcripts: non-coding transcript variant (2), intron variant (3).
Genome position (GRCh38, 1-based): chr2:214,781,150, A>G on the plus strand (T>C on the coding strand, the complement: BARD1 is on the minus strand). VCF-style: chr2-214781150-A-G. GRCh37 (hg19) VCF-style: chr2-215645874-A-G.
Other names: c.667T>C, p.Phe223Leu (NM_001282543.2); c.158+28262T>C (NM_001282548.2); c.215+15911T>C (NM_001282545.2); c.364+11147T>C (NM_001282549.2); short protein forms F242L, F223L.
Identifiers: ClinVar variation 489676 (VCV000489676.19), dbSNP rs745837404, ClinGen allele CA350456240.
Genomic context (GRCh38, chr2:214,781,150, plus strand): 5'-CTAGTAAGTCTATTTCACCATTTATCTGAGGACTGGAGATAACAGATGGTTGGCTACAGA[A>G]GGATACCAGCTTTTGCTTAGATTCCTCTTTGGAGTCAAATTCACCATCTTCTTTTTCTGC-3'
Protein context (NP_000456.2, residues 232-252): KEESKQKLVS[Phe242Leu]CSQPSVISSP